The following is an entry in ClinVar:

ClinVar aggregate classification (germline): Uncertain significance (1 of 4 stars; one submission).

Conditions:
Alstrom syndrome (ALMS). Identifiers: Orphanet 64, MedGen C0268425, MONDO:0008763, OMIM 203800.

Allele frequency attached by ClinVar (database versions not stated): ExAC 0.00001; gnomAD exomes 0.00001.
gnomAD v4.1: 3 of 1,613,672 alleles (0.00019%); highest among the groups gnomAD compares: Admixed American, 0.005%; no homozygotes.

Submission:

Labcorp Genetics (formerly Invitae), Labcorp
Classification: Uncertain significance for Alstrom syndrome. Last evaluated: 2025-09-24. Review status: criteria provided, single submitter. Criteria: Invitae Variant Classification Sherloc (09022015). Collection method: clinical testing. Allele origin: germline.
Comment: This sequence change replaces alanine, which is neutral and non-polar, with glutamic acid, which is acidic and polar, at codon 1538 of the ALMS1 protein (p.Ala1538Glu). This variant is present in population databases (rs766908325, gnomAD 0.006%). This variant has not been reported in the literature in individuals affected with ALMS1-related conditions. ClinVar contains an entry for this variant (Variation ID: 1506691). Experimental studies and prediction algorithms are not available or were not evaluated, and the functional significance of this variant is currently unknown. In summary, the available evidence is currently insufficient to determine the role of this variant in disease. Therefore, it has been classified as a Variant of Uncertain Significance.

NM_001378454.1(ALMS1):c.4610C>A (p.Ala1537Glu)

Gene: ALMS1 (ALMS1 centrosome and basal body associated protein; plus strand). Cytogenetic location: 2p13.1.
Variant type: single nucleotide variant.
Coding change: c.4610C>A on transcript NM_001378454.1 (MANE Select); coding-DNA position 4610, C replaced by A.
Protein change: p.Ala1537Glu; replaces alanine 1537 with glutamic acid.
Molecular consequence: missense variant.
Genome position (GRCh38, 1-based): chr2:73,451,137, C>A. VCF-style: chr2-73451137-C-A. GRCh37 (hg19) VCF-style: chr2-73678264-C-A.
Other names: c.4613C>A, p.Ala1538Glu (NM_015120.4); short protein forms A1537E, A1538E.
Identifiers: ClinVar variation 1506691 (VCV001506691.5), dbSNP rs766908325, ClinGen allele CA1713730.